The following is an entry in ClinVar:

ClinVar aggregate classification (germline): Uncertain significance (1 of 4 stars; one submission).

Allele frequency attached by ClinVar (database versions not stated): gnomAD exomes below 0.00001; TOPMed below 0.00001; gnomAD 0.00001.
gnomAD v4.1: 5 of 1,583,282 alleles (0.00032%); highest among the groups gnomAD compares: African/African-American, 0.0054%; no homozygotes.

Submission:

GeneDx
Classification: Uncertain significance. Last evaluated: 2022-08-11. Review status: criteria provided, single submitter. Criteria: GeneDx Variant Classification Process June 2021. Collection method: clinical testing. Allele origin: germline. Affected: yes.
Comment: Not observed at significant frequency in large population cohorts (gnomAD); In silico analysis supports that this missense variant does not alter protein structure/function; Has not been previously published as pathogenic or benign to our knowledge

NM_001291303.3(FAT4):c.11815T>C (p.Ser3939Pro)

Gene: FAT4 (FAT atypical cadherin 4; plus strand). Cytogenetic location: 4q28.1.
Variant type: single nucleotide variant.
Coding change: c.11815T>C on transcript NM_001291303.3 (MANE Select); coding-DNA position 11815, T replaced by C.
Protein change: p.Ser3939Pro; replaces serine 3939 with proline.
Molecular consequence: missense variant.
Genome position (GRCh38, 1-based): chr4:125,463,577, T>C. VCF-style: chr4-125463577-T-C. GRCh37 (hg19) VCF-style: chr4-126384732-T-C.
Other names: c.11815T>C, p.Ser3939Pro (NM_001291285.3); c.11809T>C, p.Ser3937Pro (NM_024582.6); short protein forms S3937P, S3939P.
Identifiers: ClinVar variation 2429584 (VCV002429584.1), dbSNP rs1374282497, ClinGen allele CA358125167.